The following is an entry in ClinVar:

NM_001458.5(FLNC):c.1169A>G (p.Asn390Ser)

Gene: FLNC (filamin C; plus strand). Cytogenetic location: 7q32.1.
Variant type: single nucleotide variant.
Coding change: c.1169A>G on transcript NM_001458.5 (MANE Select); coding-DNA position 1169, A replaced by G.
Protein change: p.Asn390Ser; replaces asparagine 390 with serine.
Molecular consequence: missense variant.
Genome position (GRCh38, 1-based): chr7:128,838,388, A>G. VCF-style: chr7-128838388-A-G. GRCh37 (hg19) VCF-style: chr7-128478442-A-G.
Other names: c.1169A>G, p.Asn390Ser (NM_001127487.2); short protein forms N390S.
Identifiers: ClinVar variation 539331 (VCV000539331.12), dbSNP rs188905854, ClinGen allele CA4474249.

ClinVar aggregate classification (germline): Conflicting classifications of pathogenicity. Review status: criteria provided, conflicting classifications (1 of 4 stars). 4 submissions from 4 submitters: Uncertain significance (3); Likely benign (1). Last evaluated 2026-03-27.

Conditions:
FLNC-related disorder. Also called: FLNC-related disorders; FLNC-related condition.
Cardiovascular phenotype. Identifiers: MedGen CN230736.
Hypertrophic cardiomyopathy 26. Also called: Cardiomyopathy, familial hypertrophic, 26. Identifiers: Orphanet 75249, MedGen C4310749, MONDO:0014883, OMIM 617047.
Distal myopathy with posterior leg and anterior hand involvement. Also called: WILLIAMS DISTAL MYOPATHY. Identifiers: Orphanet 63273, MedGen C3279722, MONDO:0013550, OMIM 614065.
Myofibrillar myopathy 5. Also called: Filaminopathy (type); FILAMINOPATHY, AUTOSOMAL DOMINANT. Identifiers: Orphanet 171445, MedGen C1836050, MONDO:0012289, OMIM 609524.

Allele frequency attached by ClinVar (database versions not stated): gnomAD 0.00001; gnomAD exomes 0.00001; TOPMed 0.00001; ExAC 0.00002; 1000 Genomes Project 0.00020; 1000 Genomes Project 30x 0.00031.
gnomAD v4.1: 19 of 1,613,890 alleles (0.0012%); highest among the groups gnomAD compares: African/African-American, 0.0027%; no homozygotes.

Submissions (4):

Molecular Diagnostic Laboratory for Inherited Cardiovascular Disease, Montreal Heart Institute
Classification: Uncertain significance for Cardiovascular phenotype. Last evaluated: 2026-03-27. Review status: criteria provided, single submitter. Criteria: ACMG Guidelines, 2015. Collection method: clinical testing. Allele origin: germline. Affected: yes.
Comment: PM2, BP5

Labcorp Genetics (formerly Invitae), Labcorp
Classification: Likely benign for Distal myopathy with posterior leg and anterior hand involvement; Myofibrillar myopathy 5; Hypertrophic cardiomyopathy 26. Last evaluated: 2026-01-26. Review status: criteria provided, single submitter. Criteria: Invitae Variant Classification Sherloc (09022015). Collection method: clinical testing. Allele origin: germline.

PreventionGenetics, part of Exact Sciences
Classification: Uncertain significance for FLNC-related condition. Last evaluated: 2025-12-23. Review status: criteria provided, single submitter. Criteria: ACMG Guidelines, 2015. Collection method: clinical testing. Allele origin: germline.
Comment: The FLNC c.1169A>G variant is predicted to result in the amino acid substitution p.Asn390Ser. To our knowledge, this variant has not been reported in the literature. This variant is reported in 0.013% of alleles in individuals of African descent in gnomAD. At this time, the clinical significance of this variant is uncertain due to the absence of conclusive functional and genetic evidence.

Ambry Genetics
Classification: Uncertain significance for Cardiovascular phenotype. Last evaluated: 2023-05-31. Review status: criteria provided, single submitter. Criteria: Ambry Variant Classification Scheme 2023. Collection method: clinical testing. Allele origin: germline.
Comment: The p.N390S variant (also known as c.1169A>G), located in coding exon 7 of the FLNC gene, results from an A to G substitution at nucleotide position 1169. The asparagine at codon 390 is replaced by serine, an amino acid with highly similar properties. This amino acid position is highly conserved in available vertebrate species. In addition, this alteration is predicted to be tolerated by in silico analysis. Since supporting evidence is limited at this time, the clinical significance of this alteration remains unclear.